The following is an entry in ClinVar:

ClinVar aggregate classification (germline): Benign. Review status: criteria provided, multiple submitters, no conflicts (2 of 4 stars). 2 submissions from 2 submitters: Benign (2). Last evaluated 2018-06-14.

Allele frequency attached by ClinVar (database versions not stated): TOPMed 0.86322; gnomAD 0.86667 and 0.87439; 1000 Genomes Project 30x 0.88492; 1000 Genomes Project 0.89497; gnomAD exomes 0.94419.
gnomAD v4.1: 439,453 of 476,384 alleles (92%); highest among the groups gnomAD compares: East Asian, 100%; 204,597 homozygotes.

Submissions (2):

GeneDx
Classification: Benign. Last evaluated: 2018-06-14. Review status: criteria provided, single submitter. Criteria: GeneDx Variant Classification (06012015). Collection method: clinical testing. Allele origin: germline. Affected: yes.
Comment: This variant is considered likely benign or benign based on one or more of the following criteria: it is a conservative change, it occurs at a poorly conserved position in the protein, it is predicted to be benign by multiple in silico algorithms, and/or has population frequency not consistent with disease.

Breakthrough Genomics
Classification: Benign. Review status: criteria provided, single submitter. Criteria: ACMG Guidelines, 2015. Collection method: not provided. Allele origin: germline. Inheritance: Autosomal recessive inheritance. Affected: yes.

NM_153006.3(NAGS):c.1096+300G>A

Gene: NAGS (N-acetylglutamate synthase; plus strand). Cytogenetic location: 17q21.31.
Variant type: single nucleotide variant.
Coding change: c.1096+300G>A on transcript NM_153006.3 (MANE Select); 300 bases into the intron after coding-DNA position 1096, G replaced by A.
Molecular consequence: intron variant.
Genome position (GRCh38, 1-based): chr17:44,007,009, G>A. VCF-style: chr17-44007009-G-A. GRCh37 (hg19) VCF-style: chr17-42084377-G-A.
Identifiers: ClinVar variation 680677 (VCV000680677.2), dbSNP rs228772, ClinGen allele CA14421450.